The following is an entry in ClinVar:

ClinVar aggregate classification (germline): Uncertain significance. Review status: criteria provided, multiple submitters, no conflicts (2 of 4 stars). 5 submissions from 5 submitters: Uncertain significance (5). Last evaluated 2026-04-13.

Conditions:
Inborn genetic diseases. Identifiers: MedGen C0950123, MeSH D030342.
Autosomal dominant nonsyndromic hearing loss 13. Identifiers: Orphanet 90635, MedGen C1866095, MONDO:0011159, OMIM 601868.

Allele frequency attached by ClinVar (database versions not stated): gnomAD exomes 0.00001; TOPMed 0.00001.

Submissions (5):

GeneDx
Classification: Uncertain significance. Last evaluated: 2026-04-13. Review status: criteria provided, single submitter. Criteria: GeneDx Variant Classification Process June 2021. Collection method: clinical testing. Allele origin: germline.
Comment: Not observed at significant frequency in large population cohorts (gnomAD); In silico analysis supports that this missense variant has a deleterious effect on protein structure/function; This variant is associated with the following publications: (PMID: 26566670)

Labcorp Genetics (formerly Invitae), Labcorp
Classification: Uncertain significance. Last evaluated: 2025-10-24. Review status: criteria provided, single submitter. Criteria: Invitae Variant Classification Sherloc (09022015). Collection method: clinical testing. Allele origin: germline.
Comment: This sequence change replaces arginine, which is basic and polar, with glutamine, which is neutral and polar, at codon 1596 of the COL11A2 protein (p.Arg1596Gln). The frequency data for this variant in the population databases is considered unreliable, as metrics indicate poor data quality at this position in the gnomAD database. This missense change has been observed in individual(s) with COL11A2-related conditions (PMID: 26566670). ClinVar contains an entry for this variant (Variation ID: 2172814). Invitae Evidence Modeling of protein sequence and biophysical properties (such as structural, functional, and spatial information, amino acid conservation, physicochemical variation, residue mobility, and thermodynamic stability) indicates that this missense variant is not expected to disrupt COL11A2 protein function with a negative predictive value of 95%. In summary, the available evidence is currently insufficient to determine the role of this variant in disease. Therefore, it has been classified as a Variant of Uncertain Significance.

Neuberg Centre For Genomic Medicine, NCGM
Classification: Uncertain significance for Autosomal dominant nonsyndromic hearing loss 13. Last evaluated: 2024-02-01. Review status: criteria provided, single submitter. Criteria: ACMG Guidelines, 2015. Collection method: clinical testing. Allele origin: germline. Inheritance: Autosomal dominant inheritance.
Comment: The above variant in COL11A2 gene has not been reported previously as a pathogenic variant nor as a benign variant, to our knowledge. For these reasons, this variant has been classified as a Variant of Uncertain Significance (VUS).

Blueprint Genetics
Classification: Uncertain significance. Last evaluated: 2023-09-15. Review status: criteria provided, single submitter. Criteria: ACMG Guidelines, 2015. Collection method: clinical testing. Allele origin: germline.

Ambry Genetics
Classification: Uncertain significance for Inborn genetic diseases. Last evaluated: 2022-12-20. Review status: criteria provided, single submitter. Criteria: Ambry Variant Classification Scheme 2023. Collection method: clinical testing. Allele origin: germline.

Literature cited by the submitters: PubMed 26566670 (cited by Labcorp Genetics (formerly Invitae), Labcorp).

NM_080680.3(COL11A2):c.4787G>A (p.Arg1596Gln)

Gene: COL11A2 (collagen type XI alpha 2 chain; minus strand). Cytogenetic location: 6p21.32.
Variant type: single nucleotide variant.
Coding change: c.4787G>A on transcript NM_080680.3 (MANE Select); coding-DNA position 4787, G replaced by A.
Protein change: p.Arg1596Gln; replaces arginine 1596 with glutamine.
Molecular consequence: missense variant.
Genome position (GRCh38, 1-based): chr6:33,164,928, C>T on the plus strand (G>A on the coding strand, the complement: COL11A2 is on the minus strand). VCF-style: chr6-33164928-C-T. GRCh37 (hg19) VCF-style: chr6-33132705-C-T.
Other names: c.4787G>A (NM_080680.2); c.4466G>A, p.Arg1489Gln (NM_080679.3); c.4529G>A, p.Arg1510Gln (NM_080681.3); short protein forms R1489Q, R1510Q, R1596Q.
Identifiers: ClinVar variation 2172814 (VCV002172814.6), dbSNP rs944367128, ClinGen allele CA137061744.